The following is an entry in ClinVar:

NM_130384.3(ATRIP):c.181G>T (p.Glu61Ter)

Genes: ATRIP (ATR interacting protein; plus strand), ATRIP-TREX1 (ATRIP-TREX1 readthrough; plus strand), LOC129936703 (ATAC-STARR-seq lymphoblastoid silent region 14331; plus strand). Cytogenetic location: 3p21.31.
Variant type: single nucleotide variant.
Coding change: c.181G>T on transcript NM_130384.3 (MANE Select); coding-DNA position 181, G replaced by T.
Protein change: p.Glu61Ter; replaces glutamic acid 61 with a stop codon.
Molecular consequence: nonsense. On other transcripts: non-coding transcript variant (1), intron variant (1).
Genome position (GRCh38, 1-based): chr3:48,447,026, G>T. VCF-style: chr3-48447026-G-T. GRCh37 (hg19) VCF-style: chr3-48488430-G-T.
Other names: c.181G>T, p.Glu61Ter (NM_032166.4); c.-218+227G>T (NM_001271022.2); short protein forms E61*.
Identifiers: ClinVar variation 3808863 (VCV003808863.1).

ClinVar aggregate classification (germline): Uncertain significance (1 of 4 stars; one submission).

Submission:

Ambry Genetics
Classification: Uncertain significance. Last evaluated: 2025-01-29. Review status: criteria provided, single submitter. Criteria: Ambry Variant Classification Scheme 2023. Collection method: clinical testing. Allele origin: germline.
Comment: The p.E61* variant (also known as c.181G>T), located in coding exon 1 of the ATRIP gene, results from a G to T substitution at nucleotide position 181. This changes the amino acid from a glutamic acid to a stop codon within coding exon 1. This alteration is expected to result in loss of function by premature protein truncation or nonsense-mediated mRNA decay. The evidence for this gene-disease relationship is limited; therefore, the clinical significance of this alteration is unclear.